The following is an entry in ClinVar:

NM_004380.3(CREBBP):c.1704T>C (p.Ser568=)

Genes: CREBBP (CREB binding lysine acetyltransferase; minus strand), LOC130058353 (ATAC-STARR-seq lymphoblastoid active region 10333; plus strand). Cytogenetic location: 16p13.3.
Variant type: single nucleotide variant.
Coding change: c.1704T>C on transcript NM_004380.3 (MANE Select); coding-DNA position 1704, T replaced by C.
Protein change: p.Ser568=; no amino-acid change (serine 568 retained).
Molecular consequence: synonymous variant.
Genome position (GRCh38, 1-based): chr16:3,780,851, A>G on the plus strand (T>C on the coding strand, the complement: CREBBP is on the minus strand). VCF-style: chr16-3780851-A-G. GRCh37 (hg19) VCF-style: chr16-3830852-A-G.
Other names: c.1590T>C, p.Ser530= (NM_001079846.1); c.1704T>C (NM_004380.2).
Identifiers: ClinVar variation 4928385 (VCV004928385.2).

ClinVar aggregate classification (germline): Likely benign. Review status: criteria provided, multiple submitters, no conflicts (2 of 4 stars). 2 submissions from 2 submitters: Likely benign (2). Last evaluated 2026-02-11.

Conditions:
CREBBP-related disorder. Also called: CREBBP-related disorders; CREBBP-related condition.

Submissions (2):

PreventionGenetics, part of Exact Sciences
Classification: Likely benign for CREBBP-related condition. Last evaluated: 2026-02-11. Review status: criteria provided, single submitter. Criteria: ACMG Guidelines, 2015. Collection method: clinical testing. Allele origin: germline.
Comment: This variant is classified as likely benign based on ACMG/AMP sequence variant interpretation guidelines (Richards et al. 2015 PMID: 25741868, with internal and published modifications).

Blueprint Genetics
Classification: Likely benign. Last evaluated: 2023-06-30. Review status: criteria provided, single submitter. Criteria: ACMG Guidelines, 2015. Collection method: clinical testing. Allele origin: germline.